The following is an entry in ClinVar:

ClinVar aggregate classification (germline): Uncertain significance (1 of 4 stars; one submission).

Conditions:
Benign neonatal seizures. Also called: Benign familial neonatal epilepsy; Benign familial neonatal seizures; Benign neonatal familial convulsions; Convulsions benign familial neonatal dominant form; Autosomal dominant form of benign neonatal seizures. Identifiers: Orphanet 1949, MedGen C0220669, MONDO:0016027.

Submission:

Labcorp Genetics (formerly Invitae), Labcorp
Classification: Uncertain significance for Benign neonatal seizures. Last evaluated: 2025-08-18. Review status: criteria provided, single submitter. Criteria: Invitae Variant Classification Sherloc (09022015). Collection method: clinical testing. Allele origin: germline.
Comment: This sequence change replaces glycine, which is neutral and non-polar, with arginine, which is basic and polar, at codon 18 of the KCNQ3 protein (p.Gly18Arg). This variant is not present in population databases (gnomAD no frequency). This variant has not been reported in the literature in individuals affected with KCNQ3-related conditions. Invitae Evidence Modeling of protein sequence and biophysical properties (such as structural, functional, and spatial information, amino acid conservation, physicochemical variation, residue mobility, and thermodynamic stability) indicates that this missense variant is not expected to disrupt KCNQ3 protein function with a negative predictive value of 95%. In summary, the available evidence is currently insufficient to determine the role of this variant in disease. Therefore, it has been classified as a Variant of Uncertain Significance.

NM_004519.4(KCNQ3):c.52G>C (p.Gly18Arg)

Gene: KCNQ3 (potassium voltage-gated channel subfamily Q member 3; minus strand). Cytogenetic location: 8q24.22.
Variant type: single nucleotide variant.
Coding change: c.52G>C on transcript NM_004519.4 (MANE Select); coding-DNA position 52, G replaced by C.
Protein change: p.Gly18Arg; replaces glycine 18 with arginine.
Molecular consequence: missense variant.
Genome position (GRCh38, 1-based): chr8:132,480,481, C>G on the plus strand (G>C on the coding strand, the complement: KCNQ3 is on the minus strand). VCF-style: chr8-132480481-C-G. GRCh37 (hg19) VCF-style: chr8-133492728-C-G.
Other names: short protein forms G18R.
Identifiers: ClinVar variation 4706904 (VCV004706904.1).